The following is an entry in ClinVar:

ClinVar aggregate classification (germline): Pathogenic (1 of 4 stars; one submission).

Conditions:
Diamond-Blackfan anemia. Also called: Blackfan Diamond syndrome; Aregenerative anemia chronic congenital; Red cell aplasia, pure hereditary; Congenital hypoplastic anemia; Aase syndrome. Identifiers: Orphanet 124, MedGen C1260899, MeSH D029503, MONDO:0015253, HP:0004810.

Submission:

Labcorp Genetics (formerly Invitae), Labcorp
Classification: Pathogenic for Diamond-Blackfan anemia. Last evaluated: 2022-07-26. Review status: criteria provided, single submitter. Criteria: Invitae Variant Classification Sherloc (09022015). Collection method: clinical testing. Allele origin: germline.
Comment: For these reasons, this variant has been classified as Pathogenic. This sequence change creates a premature translational stop signal (p.Asp72Glyfs*2) in the RPL5 gene. It is expected to result in an absent or disrupted protein product. Loss-of-function variants in RPL5 are known to be pathogenic (PMID: 19061985, 19773262). This variant is not present in population databases (gnomAD no frequency). This variant has not been reported in the literature in individuals affected with RPL5-related conditions.

Literature cited by the submitters: PubMed 19061985; PubMed 19773262.

NM_000969.5(RPL5):c.215_218del (p.Asp72fs)

Genes: DIPK1A (divergent protein kinase domain 1A; minus strand), RPL5 (ribosomal protein L5; plus strand). Cytogenetic location: 1p22.1.
Variant type: Deletion.
Coding change: c.215_218del on transcript NM_000969.5 (MANE Select); coding-DNA positions 215 to 218, 4 bases deleted (ATAT; older notation c.215_218delATAT).
Protein change: p.Asp72fs; shifts the reading frame from aspartic acid 72.
Molecular consequence: frameshift variant. On other transcripts: non-coding transcript variant (1), intron variant (1).
Genome position (GRCh38, 1-based): chr1:92,834,804-92,834,807, ATAT deleted. VCF-style (leftmost placement, unchanged base first): chr1-92834803-GATAT-G. GRCh37 (hg19) VCF-style: chr1-93300360-GATAT-G.
Other names: c.475-1773_475-1770del (NM_001252273.2); short protein forms D72fs.
Identifiers: ClinVar variation 2019799 (VCV002019799.4), dbSNP rs2524452362, ClinGen allele CA2580063319.